The following is an entry in ClinVar:

ClinVar aggregate classification (germline): Uncertain significance (1 of 4 stars; one submission).

Allele frequency attached by ClinVar (database versions not stated): ExAC 0.00001; gnomAD 0.00001; gnomAD exomes 0.00001; ESP Exome Variant Server 0.00008.
gnomAD v4.1: 21 of 1,614,072 alleles (0.0013%); highest among the groups gnomAD compares: Non-Finnish European, 0.0017%; no homozygotes.

Submission:

Labcorp Genetics (formerly Invitae), Labcorp
Classification: Uncertain significance. Last evaluated: 2023-11-19. Review status: criteria provided, single submitter. Criteria: Invitae Variant Classification Sherloc (09022015). Collection method: clinical testing. Allele origin: germline.
Comment: This sequence change replaces serine, which is neutral and polar, with glycine, which is neutral and non-polar, at codon 1265 of the DSCAML1 protein (p.Ser1265Gly). This variant is present in population databases (rs141158608, gnomAD 0.004%). This variant has not been reported in the literature in individuals affected with DSCAML1-related conditions. An algorithm developed to predict the effect of missense changes on protein structure and function (PolyPhen-2) suggests that this variant is likely to be disruptive. In summary, the available evidence is currently insufficient to determine the role of this variant in disease. Therefore, it has been classified as a Variant of Uncertain Significance.

NM_020693.4(DSCAML1):c.3613A>G (p.Ser1205Gly)

Gene: DSCAML1 (DS cell adhesion molecule like 1; minus strand). Cytogenetic location: 11q23.3.
Variant type: single nucleotide variant.
Coding change: c.3613A>G on transcript NM_020693.4 (MANE Select); coding-DNA position 3613, A replaced by G.
Protein change: p.Ser1205Gly; replaces serine 1205 with glycine.
Molecular consequence: missense variant.
Genome position (GRCh38, 1-based): chr11:117,450,644, T>C on the plus strand (A>G on the coding strand, the complement: DSCAML1 is on the minus strand). VCF-style: chr11-117450644-T-C. GRCh37 (hg19) VCF-style: chr11-117321360-T-C.
Other names: short protein forms S1205G.
Identifiers: ClinVar variation 2806170 (VCV002806170.3), dbSNP rs141158608, ClinGen allele CA6296642.